The following is an entry in ClinVar:

NM_024675.4(PALB2):c.726_727insTTAGGTCTGTAGA (p.Thr243delinsLeuGlyLeuTer)

Gene: PALB2 (partner and localizer of BRCA2; minus strand). Cytogenetic location: 16p12.2.
Variant type: Insertion.
Coding change: c.726_727insTTAGGTCTGTAGA on transcript NM_024675.4 (MANE Select); coding-DNA positions 726 to 727, TTAGGTCTGTAGA inserted.
Protein change: p.Thr243delinsLeuGlyLeuTer.
Molecular consequence: nonsense.
Genome position: GRCh38 VCF-style: chr16-23635819-T-TTCTACAGACCTAA. GRCh37 (hg19) VCF-style: chr16-23647140-T-TTCTACAGACCTAA.
Identifiers: ClinVar variation 853531 (VCV000853531.8), dbSNP rs1451309159, ClinGen allele CA621661733.

ClinVar aggregate classification (germline): Pathogenic (1 of 4 stars; one submission).

Conditions:
Familial cancer of breast. Also called: Hereditary breast cancer; hereditary breast carcinoma; BREAST CANCER, FAMILIAL. Identifiers: Orphanet 227535, MedGen C0346153, MONDO:0016419, OMIM 114480. Disease mechanism: loss of function.

Allele frequency attached by ClinVar (database versions not stated): gnomAD exomes below 0.00001.

Submission:

Labcorp Genetics (formerly Invitae), Labcorp
Classification: Pathogenic for Familial cancer of breast. Last evaluated: 2019-06-03. Review status: criteria provided, single submitter. Criteria: Invitae Variant Classification Sherloc (09022015). Collection method: clinical testing. Allele origin: germline.
Comment: For these reasons, this variant has been classified as Pathogenic. Loss-of-function variants in PALB2 are known to be pathogenic (PMID: 17200668, 24136930, 25099575). This variant has not been reported in the literature in individuals with PALB2-related conditions. This variant is not present in population databases (ExAC no frequency). This sequence change creates a premature translational stop signal (p.Thr243Leufs*4) in the PALB2 gene. It is expected to result in an absent or disrupted protein product.

Literature cited by the submitters: PubMed 17200668; PubMed 24136930; PubMed 25099575.